The following is an entry in ClinVar:

NM_024642.5(GALNT12):c.886A>G (p.Ile296Val)

Gene: GALNT12 (polypeptide N-acetylgalactosaminyltransferase 12; plus strand). Cytogenetic location: 9q22.33.
Variant type: single nucleotide variant.
Coding change: c.886A>G on transcript NM_024642.5 (MANE Select); coding-DNA position 886, A replaced by G.
Protein change: p.Ile296Val; replaces isoleucine 296 with valine.
Molecular consequence: missense variant.
Genome position (GRCh38, 1-based): chr9:98,831,926, A>G. VCF-style: chr9-98831926-A-G. GRCh37 (hg19) VCF-style: chr9-101594208-A-G.
Other names: short protein forms I296V.
Identifiers: ClinVar variation 650322 (VCV000650322.8), dbSNP rs1588450054, ClinGen allele CA374218326.

ClinVar aggregate classification (germline): Uncertain significance (1 of 4 stars; one submission).

Submission:

Labcorp Genetics (formerly Invitae), Labcorp
Classification: Uncertain significance. Last evaluated: 2022-07-06. Review status: criteria provided, single submitter. Criteria: Invitae Variant Classification Sherloc (09022015). Collection method: clinical testing. Allele origin: germline.
Comment: In summary, the available evidence is currently insufficient to determine the role of this variant in disease. Therefore, it has been classified as a Variant of Uncertain Significance. Algorithms developed to predict the effect of sequence changes on RNA splicing suggest that this variant may create or strengthen a splice site. Algorithms developed to predict the effect of missense changes on protein structure and function (SIFT, PolyPhen-2, Align-GVGD) all suggest that this variant is likely to be tolerated. ClinVar contains an entry for this variant (Variation ID: 650322). This variant has not been reported in the literature in individuals affected with GALNT12-related conditions. This variant is not present in population databases (gnomAD no frequency). This sequence change replaces isoleucine, which is neutral and non-polar, with valine, which is neutral and non-polar, at codon 296 of the GALNT12 protein (p.Ile296Val).